The following is an entry in ClinVar:

NM_001378457.1(DMXL2):c.4444A>G (p.Ile1482Val)

Gene: DMXL2 (Dmx like 2; minus strand). Cytogenetic location: 15q21.2.
Variant type: single nucleotide variant.
Coding change: c.4444A>G on transcript NM_001378457.1 (MANE Select); coding-DNA position 4444, A replaced by G.
Protein change: p.Ile1482Val; replaces isoleucine 1482 with valine.
Molecular consequence: missense variant. On other transcripts: non-coding transcript variant (2), intron variant (2).
Genome position (GRCh38, 1-based): chr15:51,498,780, T>C on the plus strand (A>G on the coding strand, the complement: DMXL2 is on the minus strand). VCF-style: chr15-51498780-T-C. GRCh37 (hg19) VCF-style: chr15-51790977-T-C.
Other names: c.4444A>G, p.Ile1482Val (NM_001174116.3, NM_001378458.1, NM_001378459.1 and 4 more transcripts); c.4204A>G, p.Ile1402Val (NM_001378464.1); c.2765-7033A>G (NM_001378460.1); c.2765-3646A>G (NM_001174117.3); short protein forms I1482V, I1402V.
Identifiers: ClinVar variation 2115664 (VCV002115664.4), dbSNP rs2043366124, ClinGen allele CA392431900.

ClinVar aggregate classification (germline): Uncertain significance (1 of 4 stars; one submission).

Allele frequency attached by ClinVar (database versions not stated): gnomAD exomes below 0.00001; TOPMed 0.00001.
gnomAD v4.1: 1 of 1,614,204 alleles (0.000062%); highest among the groups gnomAD compares: African/African-American, 0.0013%; no homozygotes.

Submission:

Labcorp Genetics (formerly Invitae), Labcorp
Classification: Uncertain significance. Last evaluated: 2022-08-16. Review status: criteria provided, single submitter. Criteria: Invitae Variant Classification Sherloc (09022015). Collection method: clinical testing. Allele origin: germline.
Comment: In summary, the available evidence is currently insufficient to determine the role of this variant in disease. Therefore, it has been classified as a Variant of Uncertain Significance. Algorithms developed to predict the effect of missense changes on protein structure and function (SIFT, PolyPhen-2, Align-GVGD) all suggest that this variant is likely to be tolerated. This variant has not been reported in the literature in individuals affected with DMXL2-related conditions. This variant is not present in population databases (gnomAD no frequency). This sequence change replaces isoleucine, which is neutral and non-polar, with valine, which is neutral and non-polar, at codon 1482 of the DMXL2 protein (p.Ile1482Val).